The following is an entry in ClinVar:

ClinVar aggregate classification (germline): Benign. Review status: criteria provided, multiple submitters, no conflicts (2 of 4 stars). 2 submissions from 2 submitters: Benign (2). Last evaluated 2018-01-12.

Conditions:
Epidermolysis bullosa simplex due to plakophilin deficiency. Also called: MCGRATH SYNDROME. Identifiers: Orphanet 158668, MedGen C1858302, MONDO:0011472, OMIM 604536.

Allele frequency attached by ClinVar (database versions not stated): 1000 Genomes Project 30x 0.03966; 1000 Genomes Project 0.04093; gnomAD 0.04378 and 0.04429; TOPMed 0.04380.

Submissions (2):

Illumina Laboratory Services, Illumina
Classification: Benign for Epidermolysis bullosa simplex due to plakophilin deficiency. Last evaluated: 2018-01-12. Review status: criteria provided, single submitter. Criteria: ICSL Variant Classification Criteria 13 December 2019. Collection method: clinical testing. Allele origin: germline.
Comment: This variant was observed in the ICSL laboratory as part of a predisposition screen in an ostensibly healthy population. It had not been previously curated by ICSL or reported in the Human Gene Mutation Database (HGMD: prior to June 1st, 2018), and was therefore a candidate for classification through an automated scoring system. Utilizing variant allele frequency, disease prevalence and penetrance estimates, and inheritance mode, an automated score was calculated to assess if this variant is too frequent to cause the disease. Based on the score and internal cut-off values, a variant classified as benign is not then subjected to further curation. The score for this variant resulted in a classification of benign for this disease.

Breakthrough Genomics
Classification: Benign. Review status: criteria provided, single submitter. Criteria: ACMG Guidelines, 2015. Collection method: not provided. Allele origin: germline. Inheritance: Autosomal recessive inheritance. Affected: yes.

NM_001005337.3(PKP1):c.*151G>A

Gene: PKP1 (plakophilin 1; plus strand). Cytogenetic location: 1q32.1.
Variant type: single nucleotide variant.
Coding change: c.*151G>A on transcript NM_001005337.3 (MANE Select); 151 bases downstream of the stop codon, G replaced by A.
Molecular consequence: 3 prime UTR variant.
Genome position (GRCh38, 1-based): chr1:201,330,192, G>A. VCF-style: chr1-201330192-G-A. GRCh37 (hg19) VCF-style: chr1-201299320-G-A.
Other names: c.*151G>A (NM_000299.4).
Identifiers: ClinVar variation 294833 (VCV000294833.6), dbSNP rs79906867, ClinGen allele CA10609376.